The following is an entry in ClinVar:

NM_000883.4(IMPDH1):c.1504C>G (p.Leu502Val)

Gene: IMPDH1 (inosine monophosphate dehydrogenase 1; minus strand). Cytogenetic location: 7q32.1.
Variant type: single nucleotide variant.
Coding change: c.1504C>G on transcript NM_000883.4 (MANE Select); coding-DNA position 1504, C replaced by G.
Protein change: p.Leu502Val; replaces leucine 502 with valine.
Molecular consequence: missense variant.
Genome position (GRCh38, 1-based): chr7:128,394,935, G>C on the plus strand (C>G on the coding strand, the complement: IMPDH1 is on the minus strand). VCF-style: chr7-128394935-G-C. GRCh37 (hg19) VCF-style: chr7-128034989-G-C.
Other names: c.1474C>G, p.Leu492Val (NM_001102605.2); c.1249C>G, p.Leu417Val (NM_001142573.2); c.1234C>G, p.Leu412Val (NM_001142574.2); c.1174C>G, p.Leu392Val (NM_001142575.2); c.1405C>G, p.Leu469Val (NM_001142576.2); c.1297C>G, p.Leu433Val (NM_001304521.2); c.1396C>G, p.Leu466Val (NM_183243.3); short protein forms L392V, L412V, L417V, L433V, L466V, L469V, L492V, L502V.
Identifiers: ClinVar variation 1008719 (VCV001008719.8), dbSNP rs1584715237, ClinGen allele CA369162800.

ClinVar aggregate classification (germline): Uncertain significance (1 of 4 stars; one submission).

Submission:

Labcorp Genetics (formerly Invitae), Labcorp
Classification: Uncertain significance. Last evaluated: 2022-02-03. Review status: criteria provided, single submitter. Criteria: Invitae Variant Classification Sherloc (09022015). Collection method: clinical testing. Allele origin: germline.
Comment: Algorithms developed to predict the effect of missense changes on protein structure and function are either unavailable or do not agree on the potential impact of this missense change (SIFT: "Deleterious"; PolyPhen-2: "Benign"; Align-GVGD: "Class C0"). In summary, the available evidence is currently insufficient to determine the role of this variant in disease. Therefore, it has been classified as a Variant of Uncertain Significance. ClinVar contains an entry for this variant (Variation ID: 1008719). This variant has not been reported in the literature in individuals affected with IMPDH1-related conditions. This variant is not present in population databases (gnomAD no frequency). This sequence change replaces leucine, which is neutral and non-polar, with valine, which is neutral and non-polar, at codon 502 of the IMPDH1 protein (p.Leu502Val).